The following is an entry in ClinVar:

ClinVar aggregate classification (germline): Conflicting classifications of pathogenicity. Review status: criteria provided, conflicting classifications (1 of 4 stars). 2 submissions from 2 submitters: Uncertain significance (1); Likely benign (1). Last evaluated 2023-02-10.

Conditions:
Developmental and epileptic encephalopathy, 54. Also called: Epileptic encephalopathy, early infantile, 54; HNRNPU-Related Neurodevelopmental Disorder. Identifiers: MedGen C4479319, MONDO:0033363, OMIM 617391.
Inborn genetic diseases. Identifiers: MedGen C0950123, MeSH D030342.

Allele frequency attached by ClinVar (database versions not stated): gnomAD exomes below 0.00001; TOPMed below 0.00001; ExAC 0.00001; gnomAD 0.00001; ESP Exome Variant Server 0.00008.
gnomAD v4.1: 7 of 1,614,054 alleles (0.00043%); highest among the groups gnomAD compares: African/African-American, 0.0013%; no homozygotes.

Submissions (2):

Ambry Genetics
Classification: Likely benign for Inborn genetic diseases. Last evaluated: 2023-02-10. Review status: criteria provided, single submitter. Criteria: Ambry Variant Classification Scheme 2023. Collection method: clinical testing. Allele origin: germline.

Labcorp Genetics (formerly Invitae), Labcorp
Classification: Uncertain significance for Developmental and epileptic encephalopathy, 54. Last evaluated: 2022-11-01. Review status: criteria provided, single submitter. Criteria: Invitae Variant Classification Sherloc (09022015). Collection method: clinical testing. Allele origin: germline.
Comment: In summary, the available evidence is currently insufficient to determine the role of this variant in disease. Therefore, it has been classified as a Variant of Uncertain Significance. Advanced modeling of protein sequence and biophysical properties (such as structural, functional, and spatial information, amino acid conservation, physicochemical variation, residue mobility, and thermodynamic stability) performed at Invitae indicates that this missense variant is not expected to disrupt HNRNPU protein function. This variant has not been reported in the literature in individuals affected with HNRNPU-related conditions. This variant is present in population databases (rs370977392, gnomAD 0.008%). This sequence change replaces lysine, which is basic and polar, with arginine, which is basic and polar, at codon 433 of the HNRNPU protein (p.Lys433Arg).

NM_031844.3(HNRNPU):c.1298A>G (p.Lys433Arg)

Gene: HNRNPU (heterogeneous nuclear ribonucleoprotein U; minus strand). Cytogenetic location: 1q44.
Variant type: single nucleotide variant.
Coding change: c.1298A>G on transcript NM_031844.3 (MANE Select); coding-DNA position 1298, A replaced by G.
Protein change: p.Lys433Arg; replaces lysine 433 with arginine.
Molecular consequence: missense variant.
Genome position (GRCh38, 1-based): chr1:244,858,207, T>C on the plus strand (A>G on the coding strand, the complement: HNRNPU is on the minus strand). VCF-style: chr1-244858207-T-C. GRCh37 (hg19) VCF-style: chr1-245021509-T-C.
Other names: c.1241A>G, p.Lys414Arg (NM_004501.3); short protein forms K433R, K414R.
Identifiers: ClinVar variation 1769259 (VCV001769259.7), dbSNP rs370977392, ClinGen allele CA1486483.